The following is an entry in ClinVar:

ClinVar aggregate classification (germline): Pathogenic (1 of 4 stars; one submission).

Conditions:
Gnathodiaphyseal dysplasia (GDD). Also called: GNATHODIAPHYSEAL SCLEROSIS; OSTEOGENESIS IMPERFECTA WITH UNUSUAL SKELETAL LESIONS. Identifiers: Orphanet 53697, MedGen C1833736, MONDO:0008151, OMIM 166260.
Autosomal recessive limb-girdle muscular dystrophy type 2L (LGMDR12). Also called: Limb-girdle muscular dystrophy, type 2L; Limb-Girdle Muscular Dystrophy R12 Anoctamin-5-Related (LGMD-R12); MUSCULAR DYSTROPHY, LIMB-GIRDLE, AUTOSOMAL RECESSIVE 12. Identifiers: Orphanet 206549, MedGen C1969785, MONDO:0012652, OMIM 611307.

Submission:

Labcorp Genetics (formerly Invitae), Labcorp
Classification: Pathogenic for Autosomal recessive limb-girdle muscular dystrophy type 2L; Gnathodiaphyseal dysplasia. Last evaluated: 2020-12-07. Review status: criteria provided, single submitter. Criteria: Invitae Variant Classification Sherloc (09022015). Collection method: clinical testing. Allele origin: germline.
Comment: For these reasons, this variant has been classified as Pathogenic. This variant disrupts the p.His841 amino acid residue in ANO5. Other variant(s) that disrupt this residue have been determined to be pathogenic (PMID: 31395899, 24022920). This suggests that this residue is clinically significant, and that variants that disrupt this residue are likely to be disease-causing. This variant has been observed in individual(s) with clinical features of autosomal recessive limb-girdle muscular dystrophy (Invitae). In at least one individual the data is consistent with the variant being in trans (on the opposite chromosome) from a pathogenic variant. This variant is a gross deletion of the genomic region encompassing exon(s) 9-22 of the ANO5 gene. The 5' boundary is likely confined to intron 8. The 3' end of this event is unknown as it extends through the termination codon beyond the assayed region for this gene and may encompass additional genes. While this deletion is not anticipated to lead to nonsense mediated decay, it is expected to alter mRNA translation or result in a truncated protein product.

Literature cited by the submitters: PubMed 31395899; PubMed 24022920.

NC_000011.9:g.(?_22261105)_(22301321_?)del

Gene: ANO5 (anoctamin 5; plus strand). Cytogenetic location: 11p14.3.
Variant type: Deletion.
Identifiers: ClinVar variation 1454753 (VCV001454753.8).